The following is an entry in ClinVar:

NM_015072.5(TTLL5):c.3193A>G (p.Thr1065Ala)

Gene: TTLL5 (tubulin tyrosine ligase like 5; plus strand). Cytogenetic location: 14q24.3.
Variant type: single nucleotide variant.
Coding change: c.3193A>G on transcript NM_015072.5 (MANE Select); coding-DNA position 3193, A replaced by G.
Protein change: p.Thr1065Ala; replaces threonine 1065 with alanine.
Molecular consequence: missense variant.
Genome position (GRCh38, 1-based): chr14:75,820,028, A>G. VCF-style: chr14-75820028-A-G. GRCh37 (hg19) VCF-style: chr14-76286371-A-G.
Other names: short protein forms T1065A.
Identifiers: ClinVar variation 939242 (VCV000939242.9), dbSNP rs1894738201, ClinGen allele CA390536406.

ClinVar aggregate classification (germline): Uncertain significance (1 of 4 stars; one submission).

Allele frequency attached by ClinVar (database versions not stated): gnomAD exomes below 0.00001.
gnomAD v4.1: 1 of 1,603,276 alleles (0.000062%); no homozygotes.

Submission:

Labcorp Genetics (formerly Invitae), Labcorp
Classification: Uncertain significance. Last evaluated: 2020-10-31. Review status: criteria provided, single submitter. Criteria: Invitae Variant Classification Sherloc (09022015). Collection method: clinical testing. Allele origin: germline.
Comment: This variant has not been reported in the literature in individuals with TTLL5-related conditions. This variant is not present in population databases (ExAC no frequency). This sequence change replaces threonine with alanine at codon 1065 of the TTLL5 protein (p.Thr1065Ala). The threonine residue is weakly conserved and there is a small physicochemical difference between threonine and alanine. Algorithms developed to predict the effect of missense changes on protein structure and function (SIFT, PolyPhen-2, Align-GVGD) all suggest that this variant is likely to be tolerated, but these predictions have not been confirmed by published functional studies and their clinical significance is uncertain. In summary, the available evidence is currently insufficient to determine the role of this variant in disease. Therefore, it has been classified as a Variant of Uncertain Significance. Algorithms developed to predict the effect of sequence changes on RNA splicing suggest that this variant may create or strengthen a splice site, but this prediction has not been confirmed by published transcriptional studies.